The following is an entry in ClinVar:

ClinVar aggregate classification (germline): Uncertain significance (1 of 4 stars; one submission).

Conditions:
Immunodeficiency, common variable, 7. Identifiers: Orphanet 1572, Orphanet 696894, MedGen C3542922, MONDO:0013862, OMIM 614699.

Allele frequency attached by ClinVar (database versions not stated): gnomAD 0.00001; TOPMed below 0.00001; ExAC 0.00001; gnomAD exomes 0.00002 and 0.00001; 1000 Genomes Project 30x 0.00016; 1000 Genomes Project 0.00020.
gnomAD v4.1: 14 of 1,613,898 alleles (0.00087%); highest among the groups gnomAD compares: Admixed American, 0.0017%; no homozygotes.

Submission:

Labcorp Genetics (formerly Invitae), Labcorp
Classification: Uncertain significance for Immunodeficiency, common variable, 7. Last evaluated: 2022-08-09. Review status: criteria provided, single submitter. Criteria: Invitae Variant Classification Sherloc (09022015). Collection method: clinical testing. Allele origin: germline.
Comment: In summary, the available evidence is currently insufficient to determine the role of this variant in disease. Therefore, it has been classified as a Variant of Uncertain Significance. Algorithms developed to predict the effect of missense changes on protein structure and function output the following: SIFT: "Tolerated"; PolyPhen-2: "Benign"; Align-GVGD: "Class C0". The tryptophan amino acid residue is found in multiple mammalian species, which suggests that this missense change does not adversely affect protein function. ClinVar contains an entry for this variant (Variation ID: 1437371). This variant has not been reported in the literature in individuals affected with CR2-related conditions. This variant is present in population databases (rs201201097, gnomAD 0.01%). This sequence change replaces arginine, which is basic and polar, with tryptophan, which is neutral and slightly polar, at codon 33 of the CR2 protein (p.Arg33Trp).

NM_001006658.3(CR2):c.97C>T (p.Arg33Trp)

Gene: CR2 (complement C3d receptor 2; plus strand). Cytogenetic location: 1q32.2.
Variant type: single nucleotide variant.
Coding change: c.97C>T on transcript NM_001006658.3 (MANE Select); coding-DNA position 97, C replaced by T.
Protein change: p.Arg33Trp; replaces arginine 33 with tryptophan.
Molecular consequence: missense variant.
Genome position (GRCh38, 1-based): chr1:207,466,564, C>T. VCF-style: chr1-207466564-C-T. GRCh37 (hg19) VCF-style: chr1-207639909-C-T.
Other names: c.97C>T, p.Arg33Trp (NM_001877.5); short protein forms R33W.
Identifiers: ClinVar variation 1437371 (VCV001437371.8), dbSNP rs201201097, ClinGen allele CA1368367.
Genomic context (GRCh38, chr1:207,466,564, plus strand): 5'-AAGTTCCTTTTCTACTTTTCAGGGATTTCTTGTGGCTCTCCTCCGCCTATCCTAAATGGC[C>T]GGATTAGTTATTATTCTACCCCCATTGCTGTTGGTACCGTGATAAGGTACAGTTGTTCAG-3'
Protein context (NP_001006659.1, residues 23-43): CGSPPPILNG[Arg33Trp]ISYYSTPIAV